The following is an entry in ClinVar:

ClinVar aggregate classification (germline): Uncertain significance (1 of 4 stars; one submission).

Conditions:
HYPERHOMOCYSTEINEMIA, THROMBOTIC, CBS-RELATED. Identifiers: MedGen C3150344, OMIM 236200.

Allele frequency attached by ClinVar (database versions not stated): ExAC 0.00001.

Submission:

Labcorp Genetics (formerly Invitae), Labcorp
Classification: Uncertain significance for HYPERHOMOCYSTEINEMIA, THROMBOTIC, CBS-RELATED. Last evaluated: 2021-09-01. Review status: criteria provided, single submitter. Criteria: Invitae Variant Classification Sherloc (09022015). Collection method: clinical testing. Allele origin: germline.
Comment: This sequence change replaces lysine with methionine at codon 359 of the CBS protein (p.Lys359Met). The lysine residue is moderately conserved and there is a moderate physicochemical difference between lysine and methionine. This variant is present in population databases (rs779940364, ExAC 0.002%). This variant has not been reported in the literature in individuals affected with CBS-related conditions. Algorithms developed to predict the effect of missense changes on protein structure and function are either unavailable or do not agree on the potential impact of this missense change (SIFT: "Deleterious"; PolyPhen-2: "Possibly Damaging"; Align-GVGD: "Class C0"). In summary, the available evidence is currently insufficient to determine the role of this variant in disease. Therefore, it has been classified as a Variant of Uncertain Significance.

NM_000071.3(CBS):c.1076A>T (p.Lys359Met)

Gene: CBS (cystathionine beta-synthase; minus strand). Cytogenetic location: 21q22.3.
Variant type: single nucleotide variant.
Coding change: c.1076A>T on transcript NM_000071.3 (MANE Select); coding-DNA position 1076, A replaced by T.
Protein change: p.Lys359Met; replaces lysine 359 with methionine.
Molecular consequence: missense variant.
Genome position (GRCh38, 1-based): chr21:43,060,510, T>A on the plus strand (A>T on the coding strand, the complement: CBS is on the minus strand). VCF-style: chr21-43060510-T-A. GRCh37 (hg19) VCF-style: chr21-44480620-T-A.
Other names: c.1076A>T, p.Lys359Met (NM_001178008.3, NM_001178009.3, NM_001320298.2); c.761A>T, p.Lys254Met (NM_001321072.1); short protein forms K254M, K359M.
Identifiers: ClinVar variation 939541 (VCV000939541.8), dbSNP rs779940364, ClinGen allele CA321689781.